The following is an entry in ClinVar:

NM_002439.5(MSH3):c.495del (p.Lys165fs)

Gene: MSH3 (mutS homolog 3; plus strand). Cytogenetic location: 5q14.1.
Variant type: Deletion.
Coding change: c.495del on transcript NM_002439.5 (MANE Select); coding-DNA position 495, one base deleted (A; older notation c.495delA).
Protein change: p.Lys165fs; shifts the reading frame from lysine 165.
Molecular consequence: frameshift variant.
Genome position (GRCh38, 1-based): chr5:80,665,279, A deleted; the last of 4 consecutive A bases (chr5:80,665,276-80,665,279); deleting any one gives the same sequence. VCF-style (leftmost placement, unchanged base first): chr5-80665275-CA-C. GRCh37 (hg19) VCF-style: chr5-79961094-CA-C.
Other names: short protein forms K165fs.
Identifiers: ClinVar variation 2673547 (VCV002673547.1), dbSNP rs2546717500, ClinGen allele CA2695198644.

ClinVar aggregate classification (germline): Pathogenic (1 of 4 stars; one submission).

Conditions:
Familial adenomatous polyposis 4 (FAP4). Also called: MSH3-related attenuated familial adenomatous polyposis. Identifiers: Orphanet 480536, MedGen C4310719, MONDO:0044300, OMIM 617100.

Submission:

Myriad Genetics, Inc.
Classification: Pathogenic for Familial adenomatous polyposis 4. Last evaluated: 2023-08-29. Review status: criteria provided, single submitter. Criteria: Myriad Autosomal Dominant, Autosomal Recessive and X-Linked Classification Criteria (2023). Collection method: clinical testing. Allele origin: unknown.
Comment: This variant is considered pathogenic. This variant creates a frameshift predicted to result in premature protein truncation.